The following is an entry in ClinVar:

ClinVar aggregate classification (germline): Uncertain significance (1 of 4 stars; one submission).

gnomAD v4.1: 1 of 1,527,258 alleles (0.000065%); highest among the groups gnomAD compares: Non-Finnish European, 0.000087%; no homozygotes.

Submission:

Ambry Genetics
Classification: Uncertain significance. Last evaluated: 2025-05-19. Review status: criteria provided, single submitter. Criteria: Ambry Variant Classification Scheme 2023. Collection method: clinical testing. Allele origin: germline.
Comment: The p.R132C variant (also known as c.394C>T), located in coding exon 1 of the PALLD gene, results from a C to T substitution at nucleotide position 394. The arginine at codon 132 is replaced by cysteine, an amino acid with highly dissimilar properties. This amino acid position is conserved. In addition, this alteration is predicted to be tolerated by in silico analysis. Based on the available evidence, the clinical significance of this variant remains unclear.

NM_001166108.2(PALLD):c.1965-12637C>T

Gene: PALLD (palladin, cytoskeletal associated protein; plus strand). Cytogenetic location: 4q32.3.
Variant type: single nucleotide variant.
Coding change: c.1965-12637C>T on transcript NM_001166108.2 (MANE Select); 12637 bases into the intron before coding-DNA position 1965, C replaced by T.
Molecular consequence: intron variant. On other transcripts: missense variant (1).
Genome position (GRCh38, 1-based): chr4:168,878,285, C>T. VCF-style: chr4-168878285-C-T. GRCh37 (hg19) VCF-style: chr4-169799436-C-T.
Other names: c.394C>T, p.Arg132Cys (NM_001166110.2); c.1965-12637C>T (NM_016081.4); c.819-12637C>T (NM_001166109.2); c.-157-12637C>T (NM_001367570.1, NM_001367568.1, NM_001367567.1 and 1 more transcripts); short protein forms R132C.
Identifiers: ClinVar variation 3927554 (VCV003927554.1).